The following is an entry in ClinVar:

NM_001372.4(DNAH9):c.4852A>C (p.Asn1618His)

Gene: DNAH9 (dynein axonemal heavy chain 9; plus strand). Cytogenetic location: 17p12.
Variant type: single nucleotide variant.
Coding change: c.4852A>C on transcript NM_001372.4 (MANE Select); coding-DNA position 4852, A replaced by C.
Protein change: p.Asn1618His; replaces asparagine 1618 with histidine.
Molecular consequence: missense variant.
Genome position (GRCh38, 1-based): chr17:11,694,427, A>C. VCF-style: chr17-11694427-A-C. GRCh37 (hg19) VCF-style: chr17-11597744-A-C.
Other names: short protein forms N1618H.
Identifiers: ClinVar variation 2073073 (VCV002073073.8), dbSNP rs148975567, ClinGen allele CA8395805.

ClinVar aggregate classification (germline): Conflicting classifications of pathogenicity. Review status: criteria provided, conflicting classifications (1 of 4 stars). 3 submissions from 3 submitters: Uncertain significance (1); Likely benign (1). 1 of the submissions does not count toward it. Last evaluated 2026-01-26.

Conditions:
DNAH9-related disorder. Also called: DNAH9-related condition.
Inborn genetic diseases. Identifiers: MedGen C0950123, MeSH D030342.

Allele frequency attached by ClinVar (database versions not stated): ExAC 0.00032; 1000 Genomes Project 30x 0.00047; 1000 Genomes Project 0.00060; gnomAD 0.00129; TOPMed 0.00139; ESP Exome Variant Server 0.00146.
gnomAD v4.1: 377 of 1,612,870 alleles (0.023%); highest among the groups gnomAD compares: African/African-American, 0.45%; 1 homozygote.

Submissions (3):

Labcorp Genetics (formerly Invitae), Labcorp
Classification: Likely benign. Last evaluated: 2026-01-26. Review status: criteria provided, single submitter. Criteria: Invitae Variant Classification Sherloc (09022015). Collection method: clinical testing. Allele origin: germline.

Ambry Genetics
Classification: Uncertain significance for Inborn genetic diseases. Last evaluated: 2024-06-16. Review status: criteria provided, single submitter. Criteria: Ambry Variant Classification Scheme 2023. Collection method: clinical testing. Allele origin: germline.

PreventionGenetics, part of Exact Sciences
Classification: Likely benign for DNAH9-related condition. Last evaluated: 2022-07-11. Review status: no assertion criteria provided. Collection method: clinical testing. Allele origin: germline. Not counted in ClinVar's aggregate classification.
Comment: This variant is classified as likely benign based on ACMG/AMP sequence variant interpretation guidelines (Richards et al. 2015 PMID: 25741868, with internal and published modifications).